The following is an entry in ClinVar:

ClinVar aggregate classification (germline): Uncertain significance. Review status: criteria provided, multiple submitters, no conflicts (2 of 4 stars). 2 submissions from 2 submitters: Uncertain significance (2). Last evaluated 2024-01-24.

Conditions:
Hereditary cancer-predisposing syndrome. Also called: Hereditary neoplastic syndrome; Neoplastic Syndromes, Hereditary; Tumor predisposition; Hereditary Cancer Syndrome. Identifiers: Orphanet 140162, MedGen C0027672, MeSH D009386, MONDO:0015356.
Familial cancer of breast. Also called: hereditary breast carcinoma; Hereditary breast cancer; BREAST CANCER, FAMILIAL. Identifiers: Orphanet 227535, MedGen C0346153, MONDO:0016419, OMIM 114480. Disease mechanism: loss of function.

Submissions (2):

Ambry Genetics
Classification: Uncertain significance for Hereditary cancer-predisposing syndrome. Last evaluated: 2024-01-24. Review status: criteria provided, single submitter. Criteria: Ambry Variant Classification Scheme 2023. Collection method: clinical testing. Allele origin: germline.
Comment: The p.H69R variant (also known as c.206A>G), located in coding exon 3 of the PALB2 gene, results from an A to G substitution at nucleotide position 206. The histidine at codon 69 is replaced by arginine, an amino acid with highly similar properties. This amino acid position is conserved. In addition, this alteration is predicted to be tolerated by in silico analysis. Since supporting evidence is limited at this time, the clinical significance of this alteration remains unclear.

Labcorp Genetics (formerly Invitae), Labcorp
Classification: Uncertain significance for Familial cancer of breast. Last evaluated: 2023-07-17. Review status: criteria provided, single submitter. Criteria: Invitae Variant Classification Sherloc (09022015). Collection method: clinical testing. Allele origin: germline.
Comment: In summary, the available evidence is currently insufficient to determine the role of this variant in disease. Therefore, it has been classified as a Variant of Uncertain Significance. Algorithms developed to predict the effect of missense changes on protein structure and function output the following: SIFT: "Not Available"; PolyPhen-2: "Benign"; Align-GVGD: "Not Available". The arginine amino acid residue is found in multiple mammalian species, which suggests that this missense change does not adversely affect protein function. ClinVar contains an entry for this variant (Variation ID: 1508019). This variant has not been reported in the literature in individuals affected with PALB2-related conditions. This variant is not present in population databases (gnomAD no frequency). This sequence change replaces histidine, which is basic and polar, with arginine, which is basic and polar, at codon 69 of the PALB2 protein (p.His69Arg).

NM_024675.4(PALB2):c.206A>G (p.His69Arg)

Gene: PALB2 (partner and localizer of BRCA2; minus strand). Cytogenetic location: 16p12.2.
Variant type: single nucleotide variant.
Coding change: c.206A>G on transcript NM_024675.4 (MANE Select); coding-DNA position 206, A replaced by G.
Protein change: p.His69Arg; replaces histidine 69 with arginine.
Molecular consequence: missense variant.
Genome position (GRCh38, 1-based): chr16:23,637,855, T>C on the plus strand (A>G on the coding strand, the complement: PALB2 is on the minus strand). VCF-style: chr16-23637855-T-C. GRCh37 (hg19) VCF-style: chr16-23649176-T-C.
Other names: short protein forms H69R.
Identifiers: ClinVar variation 1508019 (VCV001508019.11), dbSNP rs749443090, ClinGen allele CA395139016.
Genomic context (GRCh38, chr16:23,637,855, plus strand): 5'-AATATACCTGGGAAATGAATAATAAAGCAGGCATAAGTGAATGGTCTAGATTTACCTGAG[T>C]GTTTTAGCTGCGGTGAGAGATCCTGCTGAGACAAACAATCTTGTTCTTCTACTGTTTTCT-3'
Protein context (NP_078951.2, residues 59-79): SQQDLSPQLK[His69Arg]SEPKNKICVY